The following is an entry in ClinVar:

NM_004304.5(ALK):c.1732G>C (p.Gly578Arg)

Gene: ALK (ALK receptor tyrosine kinase; minus strand). Cytogenetic location: 2p23.2.
Variant type: single nucleotide variant.
Coding change: c.1732G>C on transcript NM_004304.5 (MANE Select); coding-DNA position 1732, G replaced by C.
Protein change: p.Gly578Arg; replaces glycine 578 with arginine.
Molecular consequence: missense variant.
Genome position (GRCh38, 1-based): chr2:29,296,973, C>G on the plus strand (G>C on the coding strand, the complement: ALK is on the minus strand). VCF-style: chr2-29296973-C-G. GRCh37 (hg19) VCF-style: chr2-29519839-C-G.
Other names: short protein forms G578R.
Identifiers: ClinVar variation 5035691 (VCV005035691.1).

ClinVar aggregate classification (germline): Uncertain significance (1 of 4 stars; one submission).

Conditions:
Hereditary cancer-predisposing syndrome. Also called: Hereditary Cancer Syndrome; Neoplastic Syndromes, Hereditary; Tumor predisposition; Hereditary neoplastic syndrome. Identifiers: Orphanet 140162, MedGen C0027672, MeSH D009386, MONDO:0015356.

Submission:

Ambry Genetics
Classification: Uncertain significance for Hereditary cancer-predisposing syndrome. Last evaluated: 2026-09-11. Review status: criteria provided, single submitter. Criteria: Ambry Variant Classification Scheme 2023. Collection method: clinical testing. Allele origin: germline.
Comment: The p.G578R variant (also known as c.1732G>C), located in coding exon 9 of the ALK gene, results from a G to C substitution at nucleotide position 1732. The glycine at codon 578 is replaced by arginine, an amino acid with dissimilar properties. This amino acid position is conserved. In addition, this alteration is predicted to be tolerated by in silico analysis. Based on the available evidence, the clinical significance of this variant remains unclear.